The following is an entry in ClinVar:

NM_000135.4(FANCA):c.2688G>T (p.Leu896Phe)

Genes: FANCA (FA complementation group A; minus strand), LOC130059837 (ATAC-STARR-seq lymphoblastoid active region 11420; plus strand). Cytogenetic location: 16q24.3.
Variant type: single nucleotide variant.
Coding change: c.2688G>T on transcript NM_000135.4 (MANE Select); coding-DNA position 2688, G replaced by T.
Protein change: p.Leu896Phe; replaces leucine 896 with phenylalanine.
Molecular consequence: missense variant.
Genome position (GRCh38, 1-based): chr16:89,764,980, C>A on the plus strand (G>T on the coding strand, the complement: FANCA is on the minus strand). VCF-style: chr16-89764980-C-A. GRCh37 (hg19) VCF-style: chr16-89831388-C-A.
Other names: c.2688G>T, p.Leu896Phe (NM_001286167.3); c.2688G>T (NM_000135.2); short protein forms L896F.
Identifiers: ClinVar variation 1002064 (VCV001002064.11), dbSNP rs142393744, ClinGen allele CA397438430.

ClinVar aggregate classification (germline): Uncertain significance. Review status: criteria provided, multiple submitters, no conflicts (2 of 4 stars). 3 submissions from 3 submitters: Uncertain significance (3). Last evaluated 2026-01-03.

Conditions:
Inborn genetic diseases. Identifiers: MedGen C0950123, MeSH D030342.
Fanconi anemia (FA). Also called: Fanconi's anemia. Identifiers: Orphanet 84, MedGen C0015625, MeSH D005199, MONDO:0019391.
Fanconi anemia complementation group A (FANCA). Also called: Fanconi anemia, group A; FANCA-Related Fanconi Anemia. Identifiers: Orphanet 84, MedGen C3469521, MONDO:0009215, OMIM 227650.

Submissions (3):

Ambry Genetics
Classification: Uncertain significance for Inborn genetic diseases. Last evaluated: 2026-01-03. Review status: criteria provided, single submitter. Criteria: Ambry Variant Classification Scheme 2023. Collection method: clinical testing. Allele origin: germline.
Comment: The p.L896F variant (also known as c.2688G>T), located in coding exon 28 of the FANCA gene, results from a G to T substitution at nucleotide position 2688. The leucine at codon 896 is replaced by phenylalanine, an amino acid with highly similar properties. This amino acid position is conserved. In addition, this alteration is predicted to be tolerated by in silico analysis. Based on the available evidence, the clinical significance of this variant remains unclear.

Fulgent Genetics
Classification: Uncertain significance for Fanconi anemia complementation group A. Last evaluated: 2024-01-31. Review status: criteria provided, single submitter. Criteria: ACMG Guidelines, 2015. Collection method: clinical testing. Allele origin: germline.

Labcorp Genetics (formerly Invitae), Labcorp
Classification: Uncertain significance for Fanconi anemia. Last evaluated: 2020-09-15. Review status: criteria provided, single submitter. Criteria: Invitae Variant Classification Sherloc (09022015). Collection method: clinical testing. Allele origin: germline.
Comment: In summary, the available evidence is currently insufficient to determine the role of this variant in disease. Therefore, it has been classified as a Variant of Uncertain Significance. Advanced modeling of protein sequence and biophysical properties (such as structural, functional, and spatial information, amino acid conservation, physicochemical variation, residue mobility, and thermodynamic stability) performed at Invitae indicates that this missense variant is not expected to disrupt FANCA protein function. This variant has not been reported in the literature in individuals with FANCA-related conditions. This variant is not present in population databases (ExAC no frequency). This sequence change replaces leucine with phenylalanine at codon 896 of the FANCA protein (p.Leu896Phe). The leucine residue is moderately conserved and there is a small physicochemical difference between leucine and phenylalanine.